The following is an entry in ClinVar:

NM_001023570.4(IQCB1):c.1240C>G (p.Leu414Val)

Gene: IQCB1 (IQ motif containing B1; minus strand). Cytogenetic location: 3q13.33.
Variant type: single nucleotide variant.
Coding change: c.1240C>G on transcript NM_001023570.4 (MANE Select); coding-DNA position 1240, C replaced by G.
Protein change: p.Leu414Val; replaces leucine 414 with valine.
Molecular consequence: missense variant. On other transcripts: non-coding transcript variant (1).
Genome position (GRCh38, 1-based): chr3:121,788,322, G>C on the plus strand (C>G on the coding strand, the complement: IQCB1 is on the minus strand). VCF-style: chr3-121788322-G-C. GRCh37 (hg19) VCF-style: chr3-121507169-G-C.
Other names: c.841C>G, p.Leu281Val (NM_001023571.4); c.1240C>G, p.Leu414Val (NM_001319107.2); short protein forms L281V, L414V.
Identifiers: ClinVar variation 852019 (VCV000852019.11), dbSNP rs1948818458, ClinGen allele CA354115491.

ClinVar aggregate classification (germline): Uncertain significance. Review status: criteria provided, multiple submitters, no conflicts (2 of 4 stars). 3 submissions from 3 submitters: Uncertain significance (3). Last evaluated 2024-01-31.

Conditions:
Nephronophthisis. Also called: Juvenile Nephronophthisis. Identifiers: Orphanet 655, MedGen C0687120, MONDO:0019005, HP:0000090.
Senior-Loken syndrome 5 (SLSN5). Identifiers: Orphanet 3156, MedGen C1836517, MONDO:0012225, OMIM 609254.

gnomAD v4.1: 5 of 1,613,916 alleles (0.00031%); highest among the groups gnomAD compares: Middle Eastern, 0.017%; no homozygotes.

Submissions (3):

Fulgent Genetics
Classification: Uncertain significance for Senior-Loken syndrome 5. Last evaluated: 2024-01-31. Review status: criteria provided, single submitter. Criteria: ACMG Guidelines, 2015. Collection method: clinical testing. Allele origin: germline.

Labcorp Genetics (formerly Invitae), Labcorp
Classification: Uncertain significance for Nephronophthisis. Last evaluated: 2022-07-12. Review status: criteria provided, single submitter. Criteria: Invitae Variant Classification Sherloc (09022015). Collection method: clinical testing. Allele origin: germline.
Comment: This variant is not present in population databases (gnomAD no frequency). This variant has not been reported in the literature in individuals affected with IQCB1-related conditions. ClinVar contains an entry for this variant (Variation ID: 852019). Algorithms developed to predict the effect of missense changes on protein structure and function are either unavailable or do not agree on the potential impact of this missense change (SIFT: "Deleterious"; PolyPhen-2: "Probably Damaging"; Align-GVGD: "Class C0"). In summary, the available evidence is currently insufficient to determine the role of this variant in disease. Therefore, it has been classified as a Variant of Uncertain Significance. This sequence change replaces leucine, which is neutral and non-polar, with valine, which is neutral and non-polar, at codon 414 of the IQCB1 protein (p.Leu414Val).

Blueprint Genetics
Classification: Uncertain significance. Last evaluated: 2022-06-12. Review status: criteria provided, single submitter. Criteria: ACMG Guidelines, 2015. Collection method: clinical testing. Allele origin: germline.